The following is an entry in ClinVar:

ClinVar aggregate classification (germline): Uncertain significance (1 of 4 stars; one submission).

Submission:

GeneDx
Classification: Uncertain significance. Last evaluated: 2025-03-13. Review status: criteria provided, single submitter. Criteria: GeneDx Variant Classification Process June 2021. Collection method: clinical testing. Allele origin: germline. Affected: yes.
Comment: Not observed at significant frequency in large population cohorts (gnomAD); In silico analysis supports that this missense variant has a deleterious effect on protein structure/function; Has not been previously published as pathogenic or benign to our knowledge

NM_005413.4(SIX3):c.650C>T (p.Thr217Ile)

Gene: SIX3 (SIX homeobox 3; plus strand). Cytogenetic location: 2p21.
Variant type: single nucleotide variant.
Coding change: c.650C>T on transcript NM_005413.4 (MANE Select); coding-DNA position 650, C replaced by T.
Protein change: p.Thr217Ile; replaces threonine 217 with isoleucine.
Molecular consequence: missense variant.
Genome position (GRCh38, 1-based): chr2:44,942,754, C>T. VCF-style: chr2-44942754-C-T. GRCh37 (hg19) VCF-style: chr2-45169893-C-T.
Other names: short protein forms T217I.
Identifiers: ClinVar variation 4086552 (VCV004086552.1).